The following is an entry in ClinVar:

ClinVar aggregate classification (germline): Uncertain significance (1 of 4 stars; one submission).

Submission:

Labcorp Genetics (formerly Invitae), Labcorp
Classification: Uncertain significance. Last evaluated: 2025-09-04. Review status: criteria provided, single submitter. Criteria: Invitae Variant Classification Sherloc (09022015). Collection method: clinical testing. Allele origin: germline.
Comment: This sequence change replaces tyrosine, which is neutral and polar, with histidine, which is basic and polar, at codon 167 of the TCF20 protein (p.Tyr167His). This variant is not present in population databases (gnomAD no frequency). This variant has not been reported in the literature in individuals affected with TCF20-related conditions. An algorithm developed to predict the effect of missense changes on protein structure and function (PolyPhen-2) suggests that this variant is likely to be disruptive. In summary, the available evidence is currently insufficient to determine the role of this variant in disease. Therefore, it has been classified as a Variant of Uncertain Significance.

NM_001378418.1(TCF20):c.499T>C (p.Tyr167His)

Gene: TCF20 (transcription factor 20; minus strand). Cytogenetic location: 22q13.2.
Variant type: single nucleotide variant.
Coding change: c.499T>C on transcript NM_001378418.1 (MANE Select); coding-DNA position 499, T replaced by C.
Protein change: p.Tyr167His; replaces tyrosine 167 with histidine.
Molecular consequence: missense variant.
Genome position (GRCh38, 1-based): chr22:42,214,807, A>G on the plus strand (T>C on the coding strand, the complement: TCF20 is on the minus strand). VCF-style: chr22-42214807-A-G. GRCh37 (hg19) VCF-style: chr22-42610813-A-G.
Other names: c.499T>C, p.Tyr167His (NM_005650.4, NM_181492.3); short protein forms Y167H.
Identifiers: ClinVar variation 4723090 (VCV004723090.1).